The following is an entry in ClinVar:

ClinVar aggregate classification (germline): Likely benign. Review status: criteria provided, single submitter (1 of 4 stars). 2 submissions from 2 submitters: Likely benign (1). 1 of the submissions does not count toward it. Last evaluated 2025-10-02.

Conditions:
Paget disease of bone 2, early-onset (PDB2). Also called: Paget disease of bone 2. Identifiers: MedGen C4085251, MONDO:0011183, OMIM 602080.
Frontotemporal dementia and/or amyotrophic lateral sclerosis 1 (FTDALS1). Also called: Frontotemporal dementia with motor neuron disease 1; C9orf72 Frontotemporal Dementia and/or Amyotrophic Lateral Sclerosis. Identifiers: Orphanet 275872, MedGen C5779877, MONDO:0007105, OMIM 105550.
SQSTM1-related disorder. Also called: SQSTM1-Related Disorders.

Allele frequency attached by ClinVar (database versions not stated): ExAC 0.00001; gnomAD 0.00002; gnomAD exomes 0.00002; TOPMed 0.00002; ESP Exome Variant Server 0.00008.
gnomAD v4.1: 30 of 1,613,940 alleles (0.0019%); highest among the groups gnomAD compares: Non-Finnish European, 0.0025%; no homozygotes.

Submissions (2):

Labcorp Genetics (formerly Invitae), Labcorp
Classification: Likely benign for Paget disease of bone 2, early-onset; Frontotemporal dementia and/or amyotrophic lateral sclerosis 1. Last evaluated: 2025-10-02. Review status: criteria provided, single submitter. Criteria: Invitae Variant Classification Sherloc (09022015). Collection method: clinical testing. Allele origin: germline.

PreventionGenetics, part of Exact Sciences
Classification: Likely benign for SQSTM1-related condition. Last evaluated: 2024-08-07. Review status: no assertion criteria provided. Collection method: clinical testing. Allele origin: germline. Not counted in ClinVar's aggregate classification.
Comment: This variant is classified as likely benign based on ACMG/AMP sequence variant interpretation guidelines (Richards et al. 2015 PMID: 25741868, with internal and published modifications).

NM_003900.5(SQSTM1):c.402T>C (p.Pro134=)

Gene: SQSTM1 (sequestosome 1; plus strand). Cytogenetic location: 5q35.3.
Variant type: single nucleotide variant.
Coding change: c.402T>C on transcript NM_003900.5 (MANE Select); coding-DNA position 402, T replaced by C.
Protein change: p.Pro134=; no amino-acid change (proline 134 retained).
Molecular consequence: synonymous variant.
Genome position (GRCh38, 1-based): chr5:179,823,958, T>C. VCF-style: chr5-179823958-T-C. GRCh37 (hg19) VCF-style: chr5-179250958-T-C.
Other names: c.150T>C, p.Pro50= (NM_001142298.2, NM_001142299.2); c.402T>C (NM_003900.4).
Identifiers: ClinVar variation 2083278 (VCV002083278.5), dbSNP rs375411629, ClinGen allele CA3600499.